The following is an entry in ClinVar:

NM_000038.6(APC):c.1958+22A>C

Gene: APC (APC regulator of Wnt signaling pathway; plus strand). Cytogenetic location: 5q22.2.
Variant type: single nucleotide variant.
Coding change: c.1958+22A>C on transcript NM_000038.6 (MANE Select); 22 bases into the intron after coding-DNA position 1958, A replaced by C.
Molecular consequence: intron variant.
Genome position (GRCh38, 1-based): chr5:112,835,187, A>C. VCF-style: chr5-112835187-A-C. GRCh37 (hg19) VCF-style: chr5-112170884-A-C.
Other names: c.1709+22A>C (NM_001407454.1, NM_001407456.1, NM_001407457.1 and 1 more transcripts); c.1655+22A>C (NM_001354903.2, NM_001407460.1, NM_001407458.1 and 1 more transcripts); c.1874+22A>C (NM_001354899.2); c.1571+22A>C (NM_001407467.1, NM_001407469.1); c.1835+22A>C (NM_001354900.2); c.1781+22A>C (NM_001354901.2, NM_001407453.1); c.1478+22A>C (NM_001354905.2); c.1109+22A>C (NM_001407470.1, NM_001354906.2); and 11 more.
Identifiers: ClinVar variation 3148052 (VCV003148052.1), dbSNP rs1246211345, ClinGen allele CA2709749379.

ClinVar aggregate classification (germline): Benign (1 of 4 stars; one submission).

Conditions:
Familial adenomatous polyposis 1 (FAP1). Also called: POLYPOSIS, ADENOMATOUS INTESTINAL; FAMILIAL ADENOMATOUS POLYPOSIS 1, ATTENUATED. Identifiers: MedGen C2713442, MONDO:0021056, OMIM 175100. Disease mechanism: loss of function.

Submission:

Myriad Genetics, Inc.
Classification: Benign for Familial adenomatous polyposis 1. Last evaluated: 2024-03-08. Review status: criteria provided, single submitter. Criteria: Myriad Autosomal Dominant, Autosomal Recessive and X-Linked Classification Criteria (2023). Collection method: clinical testing. Allele origin: unknown.
Comment: This variant is considered benign. This variant is intronic and is not expected to impact mRNA splicing.